The following is an entry in ClinVar:

ClinVar aggregate classification (germline): Uncertain significance (1 of 4 stars; one submission).

Allele frequency attached by ClinVar (database versions not stated): ExAC 0.00018; gnomAD 0.00135; 1000 Genomes Project 30x 0.00781.

Submission:

Labcorp Genetics (formerly Invitae), Labcorp
Classification: Uncertain significance. Last evaluated: 2022-07-19. Review status: criteria provided, single submitter. Criteria: Invitae Variant Classification Sherloc (09022015). Collection method: clinical testing. Allele origin: germline.
Comment: This sequence change replaces serine, which is neutral and polar, with phenylalanine, which is neutral and non-polar, at codon 10 of the APOL1 protein (p.Ser10Phe). The frequency data for this variant in the population databases is considered unreliable, as metrics indicate poor data quality at this position in the gnomAD database. This variant has not been reported in the literature in individuals affected with APOL1-related conditions. Algorithms developed to predict the effect of missense changes on protein structure and function output the following: SIFT: "Tolerated"; PolyPhen-2: "Benign"; Align-GVGD: "Class C0". The phenylalanine amino acid residue is found in multiple mammalian species, which suggests that this missense change does not adversely affect protein function. In summary, the available evidence is currently insufficient to determine the role of this variant in disease. Therefore, it has been classified as a Variant of Uncertain Significance.

NM_003661.4(APOL1):c.29C>T (p.Ser10Phe)

Gene: APOL1 (apolipoprotein L1; plus strand). Cytogenetic location: 22q12.3.
Variant type: single nucleotide variant.
Coding change: c.29C>T on transcript NM_003661.4 (MANE Select); coding-DNA position 29, C replaced by T.
Protein change: p.Ser10Phe; replaces serine 10 with phenylalanine.
Molecular consequence: missense variant.
Genome position (GRCh38, 1-based): chr22:36,254,984, C>T. VCF-style: chr22-36254984-C-T. GRCh37 (hg19) VCF-style: chr22-36651030-C-T.
Other names: c.29C>T, p.Ser10Phe (NM_001136540.2, NM_001136541.2, NM_001362927.2); c.77C>T, p.Ser26Phe (NM_145343.3); short protein forms S26F, S10F.
Identifiers: ClinVar variation 2052927 (VCV002052927.1), dbSNP rs199650512, ClinGen allele CA10208467.